The following is an entry in ClinVar:

NM_058004.4(PI4KA):c.2575-8C>A

Gene: PI4KA (phosphatidylinositol 4-kinase alpha; minus strand). Cytogenetic location: 22q11.21.
Variant type: single nucleotide variant.
Coding change: c.2575-8C>A on transcript NM_058004.4 (MANE Select); 8 bases into the intron before coding-DNA position 2575, C replaced by A.
Molecular consequence: intron variant.
Genome position (GRCh38, 1-based): chr22:20,764,958, G>T on the plus strand (C>A on the coding strand, the complement: PI4KA is on the minus strand). VCF-style: chr22-20764958-G-T. GRCh37 (hg19) VCF-style: chr22-21119246-G-T.
Other names: c.2509-8C>A (NM_001362863.2); c.2575-8C>A (NM_001362862.2).
Identifiers: ClinVar variation 3352933 (VCV003352933.1).

ClinVar aggregate classification (germline): Likely benign (0 of 4 stars; one submission).

Conditions:
PI4KA-related disorder. Also called: PI4KA-related condition; PI4KA-related disorders. Identifiers: MedGen CN378147, MONDO:1040012.

gnomAD v4.1: 5 of 1,601,130 alleles (0.00031%); highest among the groups gnomAD compares: African/African-American, 0.004%; no homozygotes.

Submission:

PreventionGenetics, part of Exact Sciences
Classification: Likely benign for PI4KA-related condition. Last evaluated: 2024-07-27. Review status: no assertion criteria provided. Collection method: clinical testing. Allele origin: germline.
Comment: This variant is classified as likely benign based on ACMG/AMP sequence variant interpretation guidelines (Richards et al. 2015 PMID: 25741868, with internal and published modifications).